The following is an entry in ClinVar:

ClinVar aggregate classification (germline): Uncertain significance (1 of 4 stars; one submission).

Conditions:
Congenital disorder of glycosylation, type Iaa. Also called: Congenital disorder of glycosylation, type 1aa. Identifiers: MedGen C4310727, MONDO:0014904, OMIM 617082.

Submission:

Labcorp Genetics (formerly Invitae), Labcorp
Classification: Uncertain significance for Congenital disorder of glycosylation, type Iaa. Last evaluated: 2024-02-12. Review status: criteria provided, single submitter. Criteria: Invitae Variant Classification Sherloc (09022015). Collection method: clinical testing. Allele origin: germline.
Comment: This sequence change falls in intron 4 of the NUS1 gene. It does not directly change the encoded amino acid sequence of the NUS1 protein. It affects a nucleotide within the consensus splice site. This variant is not present in population databases (gnomAD no frequency). This variant has not been reported in the literature in individuals affected with NUS1-related conditions. Variants that disrupt the consensus splice site are a relatively common cause of aberrant splicing (PMID: 17576681, 9536098). Algorithms developed to predict the effect of sequence changes on RNA splicing suggest that this variant may disrupt the consensus splice site. In summary, the available evidence is currently insufficient to determine the role of this variant in disease. Therefore, it has been classified as a Variant of Uncertain Significance.

Literature cited by the submitters: PubMed 17576681; PubMed 9536098.

NM_138459.5(NUS1):c.791+6T>C

Gene: NUS1 (NUS1 dehydrodolichyl diphosphate synthase subunit; plus strand). Cytogenetic location: 6q22.1.
Variant type: single nucleotide variant.
Coding change: c.791+6T>C on transcript NM_138459.5 (MANE Select); 6 bases into the intron after coding-DNA position 791, T replaced by C.
Molecular consequence: intron variant.
Genome position (GRCh38, 1-based): chr6:117,703,710, T>C. VCF-style: chr6-117703710-T-C. GRCh37 (hg19) VCF-style: chr6-118024873-T-C.
Identifiers: ClinVar variation 2706006 (VCV002706006.3), dbSNP rs2482032266, ClinGen allele CA2697553664.